The following is an entry in ClinVar:

ClinVar aggregate classification (germline): Uncertain significance (1 of 4 stars; one submission).

Submission:

GeneDx
Classification: Uncertain significance. Last evaluated: 2023-12-19. Review status: criteria provided, single submitter. Criteria: GeneDx Variant Classification Process June 2021. Collection method: clinical testing. Allele origin: germline. Affected: yes.
Comment: Not observed at significant frequency in large population cohorts (gnomAD); In silico analysis supports that this missense variant has a deleterious effect on protein structure/function; Has not been previously published as pathogenic or benign to our knowledge

NM_007325.5(GRIA3):c.1676T>C (p.Ile559Thr)

Gene: GRIA3 (glutamate ionotropic receptor AMPA type subunit 3; plus strand). Cytogenetic location: Xq25.
Variant type: single nucleotide variant.
Coding change: c.1676T>C on transcript NM_007325.5 (MANE Select); coding-DNA position 1676, T replaced by C.
Protein change: p.Ile559Thr; replaces isoleucine 559 with threonine.
Molecular consequence: missense variant.
Genome position (GRCh38, 1-based): chrX:123,417,577, T>C. VCF-style: chrX-123417577-T-C. GRCh37 (hg19) VCF-style: chrX-122551428-T-C.
Other names: c.1676T>C, p.Ile559Thr (NM_000828.5); short protein forms I559T.
Identifiers: ClinVar variation 3365958 (VCV003365958.1).